The following is an entry in ClinVar:

NM_000038.6(APC):c.3137A>C (p.Asn1046Thr)

Gene: APC (APC regulator of Wnt signaling pathway; plus strand). Cytogenetic location: 5q22.2.
Variant type: single nucleotide variant.
Coding change: c.3137A>C on transcript NM_000038.6 (MANE Select); coding-DNA position 3137, A replaced by C.
Protein change: p.Asn1046Thr; replaces asparagine 1046 with threonine.
Molecular consequence: missense variant.
Genome position (GRCh38, 1-based): chr5:112,838,731, A>C. VCF-style: chr5-112838731-A-C. GRCh37 (hg19) VCF-style: chr5-112174428-A-C.
Other names: c.2834A>C, p.Asn945Thr (NM_001354903.2); c.2759A>C, p.Asn920Thr (NM_001354904.2); c.2657A>C, p.Asn886Thr (NM_001354905.2); c.2288A>C, p.Asn763Thr (NM_001354906.2); c.3137A>C, p.Asn1046Thr (NM_001127510.3, NM_001354895.2); c.3083A>C, p.Asn1028Thr (NM_001127511.3); c.3191A>C, p.Asn1064Thr (NM_001354896.2); c.3167A>C, p.Asn1056Thr (NM_001354897.2); and 5 more; short protein forms N1005T, N1018T, N1021T, N1028T, N1046T, N1056T, N1064T, N763T.
Identifiers: ClinVar variation 1004119 (VCV001004119.48), dbSNP rs1765342260, ClinGen allele CA16028207.

ClinVar aggregate classification (germline): Uncertain significance (1 of 4 stars; one submission).

Conditions:
Familial adenomatous polyposis 1 (FAP1). Also called: FAMILIAL ADENOMATOUS POLYPOSIS 1, ATTENUATED; POLYPOSIS, ADENOMATOUS INTESTINAL. Identifiers: MedGen C2713442, MONDO:0021056, OMIM 175100. Disease mechanism: loss of function.

Submission:

Labcorp Genetics (formerly Invitae), Labcorp
Classification: Uncertain significance for Familial adenomatous polyposis 1. Last evaluated: 2025-07-21. Review status: criteria provided, single submitter. Criteria: Invitae Variant Classification Sherloc (09022015). Collection method: clinical testing. Allele origin: germline.
Comment: This sequence change replaces asparagine, which is neutral and polar, with threonine, which is neutral and polar, at codon 1046 of the APC protein (p.Asn1046Thr). This variant is not present in population databases (gnomAD no frequency). This variant has not been reported in the literature in individuals affected with APC-related conditions. ClinVar contains an entry for this variant (Variation ID: 1004119). Invitae Evidence Modeling of protein sequence and biophysical properties (such as structural, functional, and spatial information, amino acid conservation, physicochemical variation, residue mobility, and thermodynamic stability) indicates that this missense variant is not expected to disrupt APC protein function with a negative predictive value of 95%. In summary, the available evidence is currently insufficient to determine the role of this variant in disease. Therefore, it has been classified as a Variant of Uncertain Significance.